The following is an entry in ClinVar:

ClinVar aggregate classification (germline): Uncertain significance. Review status: criteria provided, multiple submitters, no conflicts (2 of 4 stars). 2 submissions from 2 submitters: Uncertain significance (2). Last evaluated 2024-10-01.

Conditions:
Inborn genetic diseases. Identifiers: MedGen C0950123, MeSH D030342.
Syndromic multisystem autoimmune disease due to ITCH deficiency. Also called: AUTOIMMUNE DISEASE, MULTISYSTEM, WITH FACIAL DYSMORPHISM. Identifiers: Orphanet 228426, MedGen C3150649, MONDO:0013245, OMIM 613385.

Allele frequency attached by ClinVar (database versions not stated): gnomAD 0.00003 and 0.00004; gnomAD exomes 0.00004 and 0.00008; TOPMed 0.00005; ESP Exome Variant Server 0.00008; ExAC 0.00010.
gnomAD v4.1: 72 of 1,606,974 alleles (0.0045%); highest among the groups gnomAD compares: Admixed American, 0.0083%; no homozygotes.

Submissions (2):

Ambry Genetics
Classification: Uncertain significance for Inborn genetic diseases. Last evaluated: 2024-10-01. Review status: criteria provided, single submitter. Criteria: Ambry Variant Classification Scheme 2023. Collection method: clinical testing. Allele origin: germline.

Labcorp Genetics (formerly Invitae), Labcorp
Classification: Uncertain significance for Syndromic multisystem autoimmune disease due to ITCH deficiency. Last evaluated: 2022-04-29. Review status: criteria provided, single submitter. Criteria: Invitae Variant Classification Sherloc (09022015). Collection method: clinical testing. Allele origin: germline.
Comment: This sequence change replaces asparagine, which is neutral and polar, with serine, which is neutral and polar, at codon 110 of the ITCH protein (p.Asn110Ser). This variant is present in population databases (rs201149238, gnomAD 0.01%). This variant has not been reported in the literature in individuals affected with ITCH-related conditions. ClinVar contains an entry for this variant (Variation ID: 661811). Algorithms developed to predict the effect of missense changes on protein structure and function are either unavailable or do not agree on the potential impact of this missense change (SIFT: "Not Available"; PolyPhen-2: "Benign"; Align-GVGD: "Not Available"). In summary, the available evidence is currently insufficient to determine the role of this variant in disease. Therefore, it has been classified as a Variant of Uncertain Significance.

NM_031483.7(ITCH):c.329A>G (p.Asn110Ser)

Gene: ITCH (itchy E3 ubiquitin protein ligase; plus strand). Cytogenetic location: 20q11.22.
Variant type: single nucleotide variant.
Coding change: c.329A>G on transcript NM_031483.7 (MANE Select); coding-DNA position 329, A replaced by G.
Protein change: p.Asn110Ser; replaces asparagine 110 with serine.
Molecular consequence: missense variant. On other transcripts: 5 prime UTR variant (1).
Genome position (GRCh38, 1-based): chr20:34,412,631, A>G. VCF-style: chr20-34412631-A-G. GRCh37 (hg19) VCF-style: chr20-33000437-A-G.
Other names: c.329A>G, p.Asn110Ser (NM_001257137.3, NM_001324197.2, NM_001324198.2); c.-2A>G (NM_001257138.3); short protein forms N110S.
Identifiers: ClinVar variation 661811 (VCV000661811.9), dbSNP rs201149238, ClinGen allele CA9821283.